The following is an entry in ClinVar:

ClinVar aggregate classification (germline): Likely pathogenic (1 of 4 stars; one submission).

Conditions:
Cardiovascular phenotype. Identifiers: MedGen CN230736.

Submission:

Ambry Genetics
Classification: Likely pathogenic for Cardiovascular phenotype. Last evaluated: 2025-08-08. Review status: criteria provided, single submitter. Criteria: Ambry Variant Classification Scheme 2023. Collection method: clinical testing. Allele origin: germline.
Comment: The c.75035_75038dupTAGA (p.E25013Dfs*7) alteration, located in exon 186 (coding exon 185) of the TTN gene, consists of a duplication of TAGA at position 75035, causing a translational frameshift with a predicted alternate stop codon after 7 amino acids. This variant is expected to result in loss of function by premature protein truncation or nonsense-mediated mRNA decay. This variant was not reported in population-based cohorts in the Genome Aggregation Database (gnomAD). This exon is located in the M-band region of the N2-B isoform of the titin protein and is constitutively expressed in TTN transcripts (percent spliced in or PSI 100%). While truncating variants in TTN are present in 1-3% of the general population, truncating variants in the M-band have been reported in association with autosomal recessive titinopathies, primarily presenting with skeletal myopathy phenotypes (Ceyhan-Birsoy, 2013; De Cid, 2015). Truncating variants in coding exon 185 of the M-band of the N2-B isoform have also been specifically associated with autosomal dominant dilated cardiomyopathy (Vatta, 2025). More generally, TTN truncating variants encoded in constitutive exons (PSI >90%) have been found to be significantly associated with dilated cardiomyopathy (DCM) regardless of their position, although truncating variants in the A-band are the most common cause of DCM (Herman, 2012; Roberts, 2015; Schafer, 2017; Akhtar, 2020; Massier, 2025). Based on the available evidence, this alteration is classified as likely pathogenic.

Literature cited by the submitters: PubMed 22335739; PubMed 23975875; PubMed 25589632; PubMed 26581302; PubMed 27869827; PubMed 32964742; PubMed 39844436; PubMed 39968638.

NM_001267550.2(TTN):c.102230_102233dup (p.Glu34078fs)

Genes: TTN (titin; minus strand), TTN-AS1 (TTN antisense RNA 1; plus strand). Cytogenetic location: 2q31.2.
Variant type: Duplication.
Coding change: c.102230_102233dup on transcript NM_001267550.2 (MANE Select); coding-DNA positions 102230 to 102233, 4 bases duplicated (TAGA; older notation c.102230_102233dupTAGA).
Protein change: p.Glu34078fs; shifts the reading frame from glutamic acid 34078.
Molecular consequence: frameshift variant.
Genome position (GRCh38, 1-based): chr2:178,534,382-178,534,385, TCTA duplicated on the plus strand (TAGA on the coding strand, the reverse complement: TTN is on the minus strand); duplicating any 4 consecutive bases within chr2:178,534,382-178,534,388 gives the same sequence; the c. name uses the placement nearest the transcript's 3' end. VCF-style (leftmost placement, unchanged base first): chr2-178534381-T-TTCTA. GRCh37 (hg19) VCF-style: chr2-179399108-T-TTCTA.
Other names: c.75611_75614dup, p.Glu25205fs (NM_133437.4); c.97307_97310dup, p.Glu32437fs (NM_001256850.1); c.75035_75038dup, p.Glu25013fs (NM_003319.4); c.94526_94529dup, p.Glu31510fs (NM_133378.4); c.75410_75413dup, p.Glu25138fs (NM_133432.3); c.75035_75038dupTAGA (NM_003319.4); short protein forms E32437fs, E34078fs, E25138fs, E25205fs, E31510fs, E25013fs.
Identifiers: ClinVar variation 4193810 (VCV004193810.1).
Genomic context (GRCh38, chr2:178,534,381, plus strand): 5'-GATCAGGGTGTGGTAATAACGCCGGTGTTTTAATGTTCTGATAACTTTAGTACTGACTCT[T>TTCTA]TCTATCTTCTGCTTCAACCATGGGTGCTGGAGAGCCTCCGATGCTGTCATGCGAGATTTC-3'